The following is an entry in ClinVar:

ClinVar aggregate classification (germline): Conflicting classifications of pathogenicity. Review status: criteria provided, conflicting classifications (1 of 4 stars). 3 submissions from 3 submitters: Pathogenic (1); Uncertain significance (1). 1 of the submissions does not count toward it. Last evaluated 2025-12-08.

Conditions:
EYS-related disorder. Also called: EYS-related condition.
Retinitis pigmentosa (RP). Identifiers: Orphanet 791, MedGen C0035334, MeSH D012174, MONDO:0019200, OMIM 268000. Inheritance: Autosomal dominant, autosomal recessive and X linked inheritance.

Allele frequency attached by ClinVar (database versions not stated): gnomAD 0.00001; gnomAD exomes 0.00001; TOPMed 0.00002.

Submissions (3):

Labcorp Genetics (formerly Invitae), Labcorp
Classification: Uncertain significance. Last evaluated: 2025-12-08. Review status: criteria provided, single submitter. Criteria: Invitae Variant Classification Sherloc (09022015). Collection method: clinical testing. Allele origin: germline.
Comment: This variant, c.8255_8260del, is a complex sequence change that results in the deletion of 3 and insertion of 1 amino acid(s) in the EYS protein (p.Leu2752_Asn2754delinsTyr). This variant is present in population databases (no rsID available, gnomAD no frequency). This variant has been observed in individuals with retinitis pigmentosa (PMID: 31074760; internal data). ClinVar contains an entry for this variant (Variation ID: 812312). Experimental studies and prediction algorithms are not available or were not evaluated, and the functional significance of this variant is currently unknown. In summary, the available evidence is currently insufficient to determine the role of this variant in disease. Therefore, it has been classified as a Variant of Uncertain Significance.

Blueprint Genetics
Classification: Pathogenic for EYS-related disorders. Last evaluated: 2022-11-09. Review status: criteria provided, single submitter. Criteria: ACMG Guidelines, 2015. Collection method: clinical testing. Allele origin: germline. Affected: yes. Observed: 5 variant alleles.

Sharon lab, Hadassah-Hebrew University Medical Center
Classification: Pathogenic for Retinitis pigmentosa. Last evaluated: 2019-06-23. Review status: no assertion criteria provided. Collection method: research. Allele origin: inherited. Affected: yes. Not counted in ClinVar's aggregate classification.

Literature cited by the submitters: PubMed 31074760 (cited by Labcorp Genetics (formerly Invitae), Labcorp).

NM_001142800.2(EYS):c.8255_8260del (p.Leu2752_Asn2754delinsTyr)

Genes: EYS (EGF-like photoreceptor maintenance factor; minus strand), PHF3 (PHD finger protein 3; plus strand). Cytogenetic location: 6q12.
Variant type: Deletion.
Coding change: c.8255_8260del on transcript NM_001142800.2 (MANE Select); coding-DNA positions 8255 to 8260, 6 bases deleted (TAGTAA; older notation c.8255_8260delTAGTAA).
Protein change: p.Leu2752_Asn2754delinsTyr.
Molecular consequence: inframe indel. On other transcripts: 3 prime UTR variant (5).
Genome position (GRCh38, 1-based): chr6:63,721,771-63,721,776, TTACTA deleted on the plus strand (TAGTAA on the coding strand, the reverse complement: EYS is on the minus strand). VCF-style (leftmost placement, unchanged base first): chr6-63721770-TTTACTA-T. GRCh37 (hg19) VCF-style: chr6-64431666-TTTACTA-T.
Other names: c.8318_8323del, p.Leu2773_Asn2775delinsTyr (NM_001292009.2); c.*8063_*8068del (NM_001370348.2, NM_001370349.2, NM_001370350.2 and 2 more transcripts).
Identifiers: ClinVar variation 812312 (VCV000812312.6), dbSNP rs1296130120, ClinGen allele CA568119006.
Genomic context (GRCh38, chr6:63,721,770, plus strand): 5'-TGGAGAGTTTCTAGAATGATAGTTCTGTCGCCAAGGTTGTAGCGAAGTTGAACGGAACTA[TTTACTA>T]AAGAGATGCATAAAAAATCACCTGCAAGAAAGCAAACAGTAAGTTTGATTAGCAACAGTA-3'